The following is an entry in ClinVar:

ClinVar aggregate classification (germline): Conflicting classifications of pathogenicity. Review status: criteria provided, conflicting classifications (1 of 4 stars). 4 submissions from 4 submitters: Likely pathogenic (1); Uncertain significance (3). Last evaluated 2025-10-21.

Conditions:
Cone-rod dystrophy 15 (CORD15). Identifiers: MedGen C3150912, MONDO:0013348, OMIM 613660.

Allele frequency attached by ClinVar (database versions not stated): gnomAD 0.00008; gnomAD exomes 0.00008 and 0.00034; TOPMed 0.00014; 1000 Genomes Project 0.00020; 1000 Genomes Project 30x 0.00031; ExAC 0.00031.
gnomAD v4.1: 132 of 1,614,124 alleles (0.0082%); highest among the groups gnomAD compares: East Asian, 0.28%; 1 homozygote.

Submissions (4):

3billion
Classification: Likely pathogenic for Cone-rod dystrophy 15. Last evaluated: 2025-10-21. Review status: criteria provided, single submitter. Criteria: ACMG Guidelines, 2015. Collection method: clinical testing. Allele origin: germline. Affected: yes.
Comment: The variant is observed at an extremely low frequency in the gnomAD v4.1.0 dataset (total allele frequency: 0.008%). Predicted Consequence/Location: Missense variant. The majority of the known disease-causing variants of this gene are variants expected to result in premature termination of the protein. Damaging effect on gene or gene product predicted by in silico programs is uncertain [REVEL: 0.56 (damaging >=0.6, benign <0.4), 3Cnet: 0.02 (damaging >0.75, benign <0.1)]. The same nucleotide change resulting in the same amino acid change has been previously reported to be associated with CDHR1-related disorder (3billion dataset). The variant has been reported to be in trans with a pathogenic variant as either compound heterozygous or homozygous in at least one similarly affected unrelated individual (PMID: 30992995). Therefore, this variant is classified as Likely pathogenic according to the recommendation of ACMG/AMP guideline.

Blueprint Genetics
Classification: Uncertain significance. Last evaluated: 2024-11-08. Review status: criteria provided, single submitter. Criteria: ACMG Guidelines, 2015. Collection method: clinical testing. Allele origin: germline.

Labcorp Genetics (formerly Invitae), Labcorp
Classification: Uncertain significance. Last evaluated: 2023-10-03. Review status: criteria provided, single submitter. Criteria: Invitae Variant Classification Sherloc (09022015). Collection method: clinical testing. Allele origin: germline.
Comment: This sequence change replaces isoleucine, which is neutral and non-polar, with asparagine, which is neutral and polar, at codon 676 of the CDHR1 protein (p.Ile676Asn). This variant is present in population databases (rs186486854, gnomAD 0.4%), including at least one homozygous and/or hemizygous individual. This missense change has been observed in individual(s) with clinical features of retinitis pigmentosa (PMID: 24154662, 30992995, 33691693, 33946315; Invitae). In at least one individual the data is consistent with being in trans (on the opposite chromosome) from a pathogenic variant. It has also been observed to segregate with disease in related individuals. ClinVar contains an entry for this variant (Variation ID: 301253). Advanced modeling of protein sequence and biophysical properties (such as structural, functional, and spatial information, amino acid conservation, physicochemical variation, residue mobility, and thermodynamic stability) has been performed at Invitae for this missense variant, however the output from this modeling did not meet the statistical confidence thresholds required to predict the impact of this variant on CDHR1 protein function. In summary, the available evidence is currently insufficient to determine the role of this variant in disease. Therefore, it has been classified as a Variant of Uncertain Significance.

Illumina Laboratory Services, Illumina
Classification: Uncertain significance for Cone-rod dystrophy 15. Last evaluated: 2018-01-12. Review status: criteria provided, single submitter. Criteria: ICSL Variant Classification Criteria 13 December 2019. Collection method: clinical testing. Allele origin: germline.

Literature cited by the submitters: PubMed 30992995 (cited by 3billion and Labcorp Genetics (formerly Invitae), Labcorp); PubMed 24154662 (cited by 3billion and Labcorp Genetics (formerly Invitae), Labcorp); PubMed 33946315 (cited by 3billion and Labcorp Genetics (formerly Invitae), Labcorp); PubMed 33691693 (cited by Labcorp Genetics (formerly Invitae), Labcorp).

NM_033100.4(CDHR1):c.2027T>A (p.Ile676Asn)

Gene: CDHR1 (cadherin related family member 1; plus strand). Cytogenetic location: 10q23.1.
Variant type: single nucleotide variant.
Coding change: c.2027T>A on transcript NM_033100.4 (MANE Select); coding-DNA position 2027, T replaced by A.
Protein change: p.Ile676Asn; replaces isoleucine 676 with asparagine.
Molecular consequence: missense variant.
Genome position (GRCh38, 1-based): chr10:84,213,335, T>A. VCF-style: chr10-84213335-T-A. GRCh37 (hg19) VCF-style: chr10-85973091-T-A.
Other names: c.2027T>A, p.Ile676Asn (NM_001171971.3); short protein forms I676N.
Identifiers: ClinVar variation 301253 (VCV000301253.12), dbSNP rs186486854, ClinGen allele CA5580111.